The following is an entry in ClinVar:

NM_015443.4(KANSL1):c.2519C>A (p.Ser840Ter)

Gene: KANSL1 (KAT8 regulatory NSL complex subunit 1). Cytogenetic location: 17q21.31.
Variant type: single nucleotide variant.
Coding change: c.2519C>A on transcript NM_015443.4 (MANE Select); coding-DNA position 2519, C replaced by A.
Protein change: p.Ser840Ter; replaces serine 840 with a stop codon.
Molecular consequence: nonsense.
Genome position (GRCh38, 1-based): chr17:46,038,560, G>T on the plus strand (C>A on the coding strand, the complement: KANSL1 is on the minus strand). VCF-style: chr17-46038560-G-T. GRCh37 (hg19) VCF-style: chr17-44115926-G-T.
Other names: c.2519C>A, p.Ser840Ter (NM_001193465.2, NM_001193466.2, NM_001379198.1 and 8 more transcripts); c.2417C>A, p.Ser806Ter (NM_001405859.1, NM_001405860.1, NM_001405861.1 and 1 more transcripts); c.2330C>A, p.Ser777Ter (NM_001405875.1, NM_001405876.1, NM_001405877.1 and 3 more transcripts); c.1253C>A, p.Ser418Ter (NM_001405882.1, NM_001405883.1); c.1064C>A, p.Ser355Ter (NM_001405884.1, NM_001405885.1); short protein forms S418*, S840*, S355*, S777*, S806*.
Identifiers: ClinVar variation 2277959 (VCV002277959.2), dbSNP rs2510470459, ClinGen allele CA399980093.

ClinVar aggregate classification (germline): Pathogenic (1 of 4 stars; one submission).

Conditions:
Inborn genetic diseases. Identifiers: MedGen C0950123, MeSH D030342.

Submission:

Ambry Genetics
Classification: Pathogenic for Inborn genetic diseases. Last evaluated: 2022-04-07. Review status: criteria provided, single submitter. Criteria: Ambry Variant Classification Scheme 2023. Collection method: clinical testing. Allele origin: germline.
Comment: The c.2519C>A (p.S840*) alteration, located in exon 10 (coding exon 9) of the KANSL1 gene, consists of a C to A substitution at nucleotide position 2519. This changes the amino acid from a serine (S) to a stop codon at amino acid position 840. This alteration is expected to result in loss of function by premature protein truncation or nonsense-mediated mRNA decay. This variant was not reported in population-based cohorts in the Genome Aggregation Database (gnomAD). Based on the available evidence, this alteration is classified as pathogenic.